The following is an entry in ClinVar:

ClinVar aggregate classification (germline): Uncertain significance (1 of 4 stars; one submission).

Conditions:
Autosomal dominant hypocalcemia 1 (HYPOC1). Also called: HYPOCALCEMIA, FAMILIAL. Identifiers: MedGen C3715128, MONDO:0011013, OMIM 601198.
Familial hypocalciuric hypercalcemia (FHH). Also called: Familial benign hypercalcemia. Identifiers: Orphanet 405, MedGen C1809471, MONDO:0018458.

Submission:

Labcorp Genetics (formerly Invitae), Labcorp
Classification: Uncertain significance for Familial hypocalciuric hypercalcemia; Autosomal dominant hypocalcemia 1. Last evaluated: 2025-11-30. Review status: criteria provided, single submitter. Criteria: Invitae Variant Classification Sherloc (09022015). Collection method: clinical testing. Allele origin: germline.
Comment: This sequence change replaces threonine, which is neutral and polar, with proline, which is neutral and non-polar, at codon 699 of the CASR protein (p.Thr699Pro). This variant is not present in population databases (gnomAD no frequency). This variant has not been reported in the literature in individuals affected with CASR-related conditions. ClinVar contains an entry for this variant (Variation ID: 2953300). An algorithm developed to predict the effect of missense changes on protein structure and function (PolyPhen-2) suggests that this variant is likely to be disruptive. In summary, the available evidence is currently insufficient to determine the role of this variant in disease. Therefore, it has been classified as a Variant of Uncertain Significance.

NM_000388.4(CASR):c.2095A>C (p.Thr699Pro)

Gene: CASR (calcium sensing receptor; plus strand). Cytogenetic location: 3q21.1.
Variant type: single nucleotide variant.
Coding change: c.2095A>C on transcript NM_000388.4 (MANE Select); coding-DNA position 2095, A replaced by C.
Protein change: p.Thr699Pro; replaces threonine 699 with proline.
Molecular consequence: missense variant.
Genome position (GRCh38, 1-based): chr3:122,284,049, A>C. VCF-style: chr3-122284049-A-C. GRCh37 (hg19) VCF-style: chr3-122002896-A-C.
Other names: c.2125A>C, p.Thr709Pro (NM_001178065.2); short protein forms T699P, T709P.
Identifiers: ClinVar variation 2953300 (VCV002953300.3), dbSNP rs2473277911, ClinGen allele CA354158512.